The following is an entry in ClinVar:

ClinVar aggregate classification (germline): Uncertain significance (1 of 4 stars; one submission).

Conditions:
Short-rib thoracic dysplasia 10 with or without polydactyly (SRTD10). Identifiers: Orphanet 474, MedGen C3810175, MONDO:0014284, OMIM 615630.
Retinitis pigmentosa 71 (RP71). Identifiers: Orphanet 791, MedGen C4225342, MONDO:0014618, OMIM 616394.

Allele frequency attached by ClinVar (database versions not stated): gnomAD 0.00001.
gnomAD v4.1: 1 of 1,614,042 alleles (0.000062%); highest among the groups gnomAD compares: African/African-American, 0.0013%; no homozygotes.

Submission:

Labcorp Genetics (formerly Invitae), Labcorp
Classification: Uncertain significance for Retinitis pigmentosa 71; Short-rib thoracic dysplasia 10 with or without polydactyly. Last evaluated: 2022-07-12. Review status: criteria provided, single submitter. Criteria: Invitae Variant Classification Sherloc (09022015). Collection method: clinical testing. Allele origin: germline.
Comment: In summary, the available evidence is currently insufficient to determine the role of this variant in disease. Therefore, it has been classified as a Variant of Uncertain Significance. Algorithms developed to predict the effect of missense changes on protein structure and function are either unavailable or do not agree on the potential impact of this missense change (SIFT: "Deleterious"; PolyPhen-2: "Benign"; Align-GVGD: "Class C0"). ClinVar contains an entry for this variant (Variation ID: 939220). This variant has not been reported in the literature in individuals affected with IFT172-related conditions. This variant is not present in population databases (gnomAD no frequency). This sequence change replaces isoleucine, which is neutral and non-polar, with arginine, which is basic and polar, at codon 1415 of the IFT172 protein (p.Ile1415Arg).

NM_015662.3(IFT172):c.4244T>G (p.Ile1415Arg)

Gene: IFT172 (intraflagellar transport 172; minus strand). Cytogenetic location: 2p23.3.
Variant type: single nucleotide variant.
Coding change: c.4244T>G on transcript NM_015662.3 (MANE Select); coding-DNA position 4244, T replaced by G.
Protein change: p.Ile1415Arg; replaces isoleucine 1415 with arginine.
Molecular consequence: missense variant.
Genome position (GRCh38, 1-based): chr2:27,449,361, A>C on the plus strand (T>G on the coding strand, the complement: IFT172 is on the minus strand). VCF-style: chr2-27449361-A-C. GRCh37 (hg19) VCF-style: chr2-27672228-A-C.
Other names: short protein forms I1415R.
Identifiers: ClinVar variation 939220 (VCV000939220.9), dbSNP rs1665446592, ClinGen allele CA346421190.